The following is an entry in ClinVar:

ClinVar aggregate classification (germline): Likely pathogenic. Review status: criteria provided, multiple submitters, no conflicts (2 of 4 stars). 3 submissions from 3 submitters: Likely pathogenic (3). Last evaluated 2025-12-31.

Conditions:
Rubinstein-Taybi syndrome (RSTS). Identifiers: Orphanet 783, MedGen C0035934, MONDO:0019188.
Rubinstein-Taybi syndrome due to CREBBP mutations (RSTS1). Also called: RUBINSTEIN-TAYBI SYNDROME 1, INCOMPLETE; CREBBP-Related Rubinstein-Taybi Syndrome; BROAD THUMB-HALLUX SYNDROME; Rubinstein-Taybi syndrome 1; BROAD THUMBS AND GREAT TOES, CHARACTERISTIC FACIES, AND IMPAIRED INTELLECTUAL DEVELOPMENT; RUBINSTEIN SYNDROME. Identifiers: Orphanet 353277, Orphanet 783, MedGen C4551859, MONDO:0008393, OMIM 180849.
Menke-Hennekam syndrome 1 (MKHK1). Identifiers: MedGen C5193034, MONDO:0020763, OMIM 618332.

Submissions (3):

Dasa
Classification: Likely pathogenic for Rubinstein-Taybi syndrome due to CREBBP mutations. Last evaluated: 2025-12-31. Review status: criteria provided, single submitter. Criteria: DASA Assertion Criteria. Collection method: clinical testing. Allele origin: germline.
Comment: NM_004380.3(CREBBP):c.5060C>T (p.Ser1687Phe) is a missense variant that results in the substitution of serine with phenylalanine. The affected residue or protein region has prior evidence supporting clinical relevance. This variant has been reported as a de novo occurrence in an affected individual (PMID: 21984751). Also, this variant is absent from population databases. Computational evidence supports a deleterious effect. Based on the currently available evidence, this variant is classified as likely pathogenic.

Labcorp Genetics (formerly Invitae), Labcorp
Classification: Likely pathogenic for Rubinstein-Taybi syndrome. Last evaluated: 2021-08-26. Review status: criteria provided, single submitter. Criteria: Invitae Variant Classification Sherloc (09022015). Collection method: clinical testing. Allele origin: germline.

Fulgent Genetics
Classification: Likely pathogenic for Rubinstein-Taybi syndrome due to CREBBP mutations; Menke-Hennekam syndrome 1. Last evaluated: 2021-08-04. Review status: criteria provided, single submitter. Criteria: ACMG Guidelines, 2015. Collection method: clinical testing. Allele origin: unknown.

Literature cited by the submitters: PubMed 21984751 (cited by Dasa).

NM_004380.3(CREBBP):c.5060C>T (p.Ser1687Phe)

Gene: CREBBP (CREB binding lysine acetyltransferase; minus strand). Cytogenetic location: 16p13.3.
Variant type: single nucleotide variant.
Coding change: c.5060C>T on transcript NM_004380.3 (MANE Select); coding-DNA position 5060, C replaced by T.
Protein change: p.Ser1687Phe; replaces serine 1687 with phenylalanine.
Molecular consequence: missense variant.
Genome position (GRCh38, 1-based): chr16:3,731,304, G>A on the plus strand (C>T on the coding strand, the complement: CREBBP is on the minus strand). VCF-style: chr16-3731304-G-A. GRCh37 (hg19) VCF-style: chr16-3781305-G-A.
Other names: c.4946C>T, p.Ser1649Phe (NM_001079846.1); short protein forms S1649F, S1687F.
Identifiers: ClinVar variation 1066341 (VCV001066341.7), dbSNP rs2151316542, ClinGen allele CA394558449.
Genomic context (GRCh38, chr16:3,731,304, plus strand): 5'-CAGGTGTAGACAAAGCGGTCCTGGCCCTGGGTGTGCAGCTCCACCAGCATGCAGAGCGTG[G>A]ACCACTTGGAGCGGCGCAAGGAGGAGAACTCCCAGTGCTTGTCTCTGGCGAGGGTGAGGA-3'
Protein context (NP_004371.2, residues 1677-1697): EFSSLRRSKW[Ser1687Phe]TLCMLVELHT